The following is an entry in ClinVar:

NM_000264.5(PTCH1):c.707G>A (p.Trp236Ter)

Gene: PTCH1 (patched 1; minus strand). Cytogenetic location: 9q22.32.
Variant type: single nucleotide variant.
Coding change: c.707G>A on transcript NM_000264.5 (MANE Select); coding-DNA position 707, G replaced by A.
Protein change: p.Trp236Ter; replaces tryptophan 236 with a stop codon.
Molecular consequence: nonsense. On other transcripts: non-coding transcript variant (1).
Genome position (GRCh38, 1-based): chr9:95,481,988, C>T on the plus strand (G>A on the coding strand, the complement: PTCH1 is on the minus strand). VCF-style: chr9-95481988-C-T. GRCh37 (hg19) VCF-style: chr9-98244270-C-T.
Other names: c.509G>A, p.Trp170Ter (NM_001083602.3, NM_001354919.2); c.704G>A, p.Trp235Ter (NM_001083603.3); c.254G>A, p.Trp85Ter (NM_001083604.3, NM_001083605.3, NM_001083606.3 and 1 more transcripts); c.707G>A, p.Trp236Ter (NM_001354918.2); short protein forms W235*, W170*, W85*, W236*.
Identifiers: ClinVar variation 953838 (VCV000953838.10), dbSNP rs1841574026, ClinGen allele CA374114874.

ClinVar aggregate classification (germline): Pathogenic (1 of 4 stars; one submission).

Conditions:
Gorlin syndrome. Also called: Basal cell nevus syndrome; Nevoid Basal Cell Carcinoma Syndrome. Identifiers: Orphanet 377, MedGen C0004779, MONDO:0007187.

Submission:

Labcorp Genetics (formerly Invitae), Labcorp
Classification: Pathogenic for Gorlin syndrome. Last evaluated: 2019-10-30. Review status: criteria provided, single submitter. Criteria: Invitae Variant Classification Sherloc (09022015). Collection method: clinical testing. Allele origin: germline.
Comment: This sequence change creates a premature translational stop signal (p.Trp236*) in the PTCH1 gene. It is expected to result in an absent or disrupted protein product. This variant is not present in population databases (ExAC no frequency). This variant has been observed in individual(s) with clinical features of basal cell nevus syndrome (PMID: 29575684). Algorithms developed to predict the effect of sequence changes on RNA splicing suggest that this variant may create or strengthen a splice site, but this prediction has not been confirmed by published transcriptional studies. Loss-of-function variants in PTCH1 are known to be pathogenic (PMID: 16301862, 16419085). For these reasons, this variant has been classified as Pathogenic.

Literature cited by the submitters: PubMed 29575684; PubMed 16301862; PubMed 16419085.